The following is an entry in ClinVar:

NM_152393.4(KLHL40):c.1793G>C (p.Arg598Pro)

Gene: KLHL40 (kelch like family member 40; plus strand). Cytogenetic location: 3p22.1.
Variant type: single nucleotide variant.
Coding change: c.1793G>C on transcript NM_152393.4 (MANE Select); coding-DNA position 1793, G replaced by C.
Protein change: p.Arg598Pro; replaces arginine 598 with proline.
Molecular consequence: missense variant.
Genome position (GRCh38, 1-based): chr3:42,691,920, G>C. VCF-style: chr3-42691920-G-C. GRCh37 (hg19) VCF-style: chr3-42733412-G-C.
Other names: short protein forms R598P.
Identifiers: ClinVar variation 846867 (VCV000846867.6), dbSNP rs775821505, ClinGen allele CA2337097.

ClinVar aggregate classification (germline): Uncertain significance (1 of 4 stars; one submission).

Conditions:
Nemaline myopathy 8 (NEM8). Also called: Nemaline myopathy 8, autosomal recessive. Identifiers: Orphanet 171430, MedGen C3809209, MONDO:0014138, OMIM 615348.

gnomAD v4.1: 1 of 1,613,728 alleles (0.000062%); highest among the groups gnomAD compares: Admixed American, 0.0017%; no homozygotes.

Submission:

Labcorp Genetics (formerly Invitae), Labcorp
Classification: Uncertain significance for Nemaline myopathy 8. Last evaluated: 2019-02-05. Review status: criteria provided, single submitter. Criteria: Invitae Variant Classification Sherloc (09022015). Collection method: clinical testing. Allele origin: germline.
Comment: This sequence change replaces arginine with proline at codon 598 of the KLHL40 protein (p.Arg598Pro). The arginine residue is moderately conserved and there is a moderate physicochemical difference between arginine and proline. In summary, the available evidence is currently insufficient to determine the role of this variant in disease. Therefore, it has been classified as a Variant of Uncertain Significance. Algorithms developed to predict the effect of missense changes on protein structure and function are either unavailable or do not agree on the potential impact of this missense change (SIFT: "Deleterious"; PolyPhen-2: "Possibly Damaging"; Align-GVGD: "Class C0"). This variant has not been reported in the literature in individuals with KLHL40-related conditions. This variant is present in population databases (rs775821505, ExAC 0.02%).